The following is an entry in ClinVar:

NM_001372044.2(SHANK3):c.3268_3269insTC (p.Ala1090fs)

Gene: SHANK3 (SH3 and multiple ankyrin repeat domains 3; plus strand). Cytogenetic location: 22q13.33.
Variant type: Insertion.
Coding change: c.3268_3269insTC on transcript NM_001372044.2 (MANE Select); coding-DNA positions 3268 to 3269, TC inserted.
Protein change: p.Ala1090fs; shifts the reading frame from alanine 1090.
Molecular consequence: frameshift variant.
Genome position: GRCh38 VCF-style: chr22-50720876-G-GTC. GRCh37 (hg19) VCF-style: chr22-51159304-G-GTC.
Other names: c.3043_3044insTC (NM_033517.1); short protein forms A1090fs.
Identifiers: ClinVar variation 4993930 (VCV004993930.1).

ClinVar aggregate classification (germline): Likely pathogenic (1 of 4 stars; one submission).

Conditions:
SHANK3-related disorder. Also called: SHANK3-related condition.

Submission:

PreventionGenetics, part of Exact Sciences
Classification: Likely pathogenic for SHANK3-related condition. Last evaluated: 2026-05-08. Review status: criteria provided, single submitter. Criteria: ACMG Guidelines, 2015. Collection method: clinical testing. Allele origin: germline.
Comment: The SHANK3 c.3043_3044insTC variant is predicted to result in a frameshift and premature protein termination (p.Ala1001Valfs*64). To our knowledge, this variant has not been reported in the literature or in a large population database (gnomAD), indicating this variant is rare. Frameshift variants in SHANK3 are expected to be pathogenic. This variant is interpreted as likely pathogenic.